The following is an entry in ClinVar:

ClinVar aggregate classification (germline): Uncertain significance (1 of 4 stars; one submission).

Allele frequency attached by ClinVar (database versions not stated): gnomAD exomes below 0.00001.
gnomAD v4.1: 1 of 1,210,614 alleles (0.000083%); highest among the groups gnomAD compares: Non-Finnish European, 0.00011%; no homozygotes.

Submission:

GeneDx
Classification: Uncertain significance. Last evaluated: 2022-04-08. Review status: criteria provided, single submitter. Criteria: GeneDx Variant Classification Process June 2021. Collection method: clinical testing. Allele origin: germline. Affected: yes.
Comment: Not observed at significant frequency in large population cohorts (gnomAD); In silico analysis supports that this missense variant does not alter protein structure/function; Has not been previously published as pathogenic or benign to our knowledge

NM_001291415.2(KDM6A):c.2792C>T (p.Pro931Leu)

Gene: KDM6A (lysine demethylase 6A; plus strand). Cytogenetic location: Xp11.3.
Variant type: single nucleotide variant.
Coding change: c.2792C>T on transcript NM_001291415.2 (MANE Select); coding-DNA position 2792, C replaced by T.
Protein change: p.Pro931Leu; replaces proline 931 with leucine.
Molecular consequence: missense variant. On other transcripts: non-coding transcript variant (1).
Genome position (GRCh38, 1-based): chrX:45,070,291, C>T. VCF-style: chrX-45070291-C-T. GRCh37 (hg19) VCF-style: chrX-44929536-C-T.
Other names: c.2657C>T, p.Pro886Leu (NM_001291416.2); c.2501C>T, p.Pro834Leu (NM_001291417.2); c.2399C>T, p.Pro800Leu (NM_001291418.2); c.1748C>T, p.Pro583Leu (NM_001291421.2); c.2534C>T, p.Pro845Leu (NM_001410742.1); c.2636C>T, p.Pro879Leu (NM_021140.4); short protein forms P583L, P800L, P834L, P845L, P879L, P886L, P931L.
Identifiers: ClinVar variation 1712033 (VCV001712033.2), dbSNP rs2148056599, ClinGen allele CA412796020.